The following is an entry in ClinVar:

NM_000218.3(KCNQ1):c.1193A>G (p.Lys398Arg)

Gene: KCNQ1 (potassium voltage-gated channel subfamily Q member 1; plus strand). Cytogenetic location: 11p15.5.
Variant type: single nucleotide variant.
Coding change: c.1193A>G on transcript NM_000218.3 (MANE Select); coding-DNA position 1193, A replaced by G.
Protein change: p.Lys398Arg; replaces lysine 398 with arginine.
Molecular consequence: missense variant.
Genome position (GRCh38, 1-based): chr11:2,587,634, A>G. VCF-style: chr11-2587634-A-G. GRCh37 (hg19) VCF-style: chr11-2608864-A-G.
Other names: c.1193A>G (LRG_287t1); c.1097A>G, p.Lys366Arg (NM_001406836.1); c.923A>G, p.Lys308Arg (NM_001406837.1); c.653A>G, p.Lys218Arg (NM_001406838.1); c.812A>G, p.Lys271Arg (NM_181798.2); short protein forms K398R, K271R, K308R, K218R, K366R.
Identifiers: ClinVar variation 67021 (VCV000067021.29), dbSNP rs199472777, ClinGen allele CA005498.

ClinVar aggregate classification (germline): Uncertain significance. Review status: criteria provided, multiple submitters, no conflicts (2 of 4 stars). 6 submissions from 6 submitters: Uncertain significance (5). 1 of the submissions does not count toward it. Last evaluated 2025-09-19.

Conditions:
Cardiovascular phenotype. Identifiers: MedGen CN230736.
Cardiac arrhythmia. Also called: Arrhythmia; Cardiac rhythm disease. Identifiers: MedGen C0003811, MONDO:0007263, HP:0011675.
Familial long QT syndrome (RWS). Also called: Congenital long QT syndrome; Romano-Ward syndrome; VENTRICULAR FIBRILLATION WITH PROLONGED QT INTERVAL. Identifiers: Orphanet 768, MedGen C1141890, MONDO:0019171.
Atrial fibrillation, familial, 3 (ATFB3). Identifiers: MedGen C1837014, MONDO:0011857, OMIM 607554.
Long QT syndrome 1 (LQT1). Identifiers: Orphanet 101016, Orphanet 768, MedGen C4551647, MONDO:0100316, OMIM 192500, MONDO:0008646.
Beckwith-Wiedemann syndrome (BWS). Also called: Exomphalos macroglossia gigantism syndrome; EMG SYNDROME. Identifiers: Orphanet 116, MedGen C0004903, MONDO:0007534, OMIM 130650.
Jervell and Lange-Nielsen syndrome 1 (JLNS1). Also called: CARDIOAUDITORY SYNDROME OF JERVELL AND LANGE-NIELSEN; DEAFNESS, CONGENITAL, AND FUNCTIONAL HEART DISEASE; PROLONGED QT INTERVAL IN EKG AND SUDDEN DEATH; SURDO-CARDIAC SYNDROME. Identifiers: Orphanet 768, Orphanet 90647, MedGen C4551509, MONDO:0024540, OMIM 220400.
Short QT syndrome type 2. Identifiers: Orphanet 51083, MedGen C1865019, MONDO:0012313, OMIM 609621.
Long QT syndrome (LQTS). Identifiers: MedGen C0023976, MeSH D008133, MONDO:0002442. Disease mechanism: loss of function. Inheritance: Various modes of inheritance.

Allele frequency attached by ClinVar (database versions not stated): gnomAD exomes 0.00002; TOPMed 0.00002.
gnomAD v4.1: 26 of 1,613,952 alleles (0.0016%); highest among the groups gnomAD compares: Non-Finnish European, 0.0022%; no homozygotes.

Submissions (6):

Labcorp Genetics (formerly Invitae), Labcorp
Classification: Uncertain significance for Long QT syndrome. Last evaluated: 2025-09-19. Review status: criteria provided, single submitter. Criteria: Invitae Variant Classification Sherloc (09022015). Collection method: clinical testing. Allele origin: germline.
Comment: This sequence change replaces lysine, which is basic and polar, with arginine, which is basic and polar, at codon 398 of the KCNQ1 protein (p.Lys398Arg). This variant is not present in population databases (gnomAD no frequency). This missense change has been observed in individual(s) with clinical features of KCNQ1-related conditions (PMID: 19716085, 34930020, 36806574). ClinVar contains an entry for this variant (Variation ID: 67021). Invitae Evidence Modeling of protein sequence and biophysical properties (such as structural, functional, and spatial information, amino acid conservation, physicochemical variation, residue mobility, and thermodynamic stability) indicates that this missense variant is not expected to disrupt KCNQ1 protein function with a negative predictive value of 95%. Experimental studies have shown that this missense change affects KCNQ1 function (PMID: 34930020). In summary, the available evidence is currently insufficient to determine the role of this variant in disease. Therefore, it has been classified as a Variant of Uncertain Significance.

Color Diagnostics, LLC DBA Color Health
Classification: Uncertain significance for Cardiac arrhythmia. Last evaluated: 2024-08-12. Review status: criteria provided, single submitter. Criteria: ACMG Guidelines, 2015. Collection method: clinical testing. Allele origin: germline.
Comment: This missense variant replaces lysine with arginine at codon 398 of the KCNQ1 protein. Computational prediction is inconclusive regarding the impact of this variant on protein structure and function. To our knowledge, functional studies have not been reported for this variant. This variant has been reported in an individual with suspected long QT syndrome (PMID: 19716085), in an individual affected with short QT syndrome (PMID: 36806574), in an individual affected with idiopathic ventricular fibrillation (PMID: 31114860), and in an individual affected with left bundle branch block (PMID: 34930020), as well as an unaffected carrier (PMID: 34930020). This variant has not been identified in the general population by the Genome Aggregation Database (gnomAD). The available evidence is insufficient to determine the role of this variant in disease conclusively. Therefore, this variant is classified as a Variant of Uncertain Significance.

All of Us Research Program, National Institutes of Health
Classification: Uncertain significance for Long QT syndrome. Last evaluated: 2023-12-01. Review status: criteria provided, single submitter. Criteria: ACMG Guidelines, 2015. Collection method: clinical testing. Allele origin: germline. Inheritance: Autosomal dominant inheritance. Observed: 6 variant alleles, 6 heterozygotes.
Comment: This missense variant replaces lysine with arginine at codon 398 of the KCNQ1 protein. Computational prediction is inconclusive regarding the impact of this variant on protein structure and function (internally defined REVEL score threshold 0.5 < inconclusive < 0.7, PMID: 27666373). To our knowledge, functional studies have not been reported for this variant. This variant has been reported in an individual suspected to be affected with long QT syndrome (PMID: 19716085), in an individual affected with short QT syndrome (PMID: 36806574), in an individual affected with idiopathic ventricular fibrillation (PMID: 31114860), and in an individual affected with left bundle branch block as well as an unaffected carrier (PMID: 34930020). This variant has not been identified in the general population by the Genome Aggregation Database (gnomAD). The available evidence is insufficient to determine the role of this variant in disease conclusively. Therefore, this variant is classified as a Variant of Uncertain Significance.

This study involves interpretation of variants in research participants for the purpose of population health screening. Participant phenotype was not available at the time of variant classification. Additional details can be found in publication PMID: 35346344, PMCID: PMC8962531

Fulgent Genetics
Classification: Uncertain significance for Beckwith-Wiedemann syndrome; Long QT syndrome 1; Jervell and Lange-Nielsen syndrome 1; Atrial fibrillation, familial, 3; Short QT syndrome type 2. Last evaluated: 2021-09-17. Review status: criteria provided, single submitter. Criteria: ACMG Guidelines, 2015. Collection method: clinical testing. Allele origin: unknown.

Ambry Genetics
Classification: Uncertain significance for Cardiovascular phenotype. Last evaluated: 2019-09-09. Review status: criteria provided, single submitter. Criteria: Ambry Variant Classification Scheme 2023. Collection method: clinical testing. Allele origin: germline.

Cardiovascular Biomedical Research Unit, Royal Brompton & Harefield NHS Foundation Trust
No classification provided. Condition: Familial long QT syndrome. Review status: no classification provided. Collection method: literature only. Allele origin: germline. Not counted in ClinVar's aggregate classification.
Comment: This variant has been reported as associated with Long QT syndrome in the following publications (PMID:19716085). This is a literature report, and does not necessarily reflect the clinical interpretation of the Imperial College / Royal Brompton Cardiovascular Genetics laboratory.

Literature cited by the submitters: PubMed 19716085 (cited by 4 submitters); PubMed 34930020 (cited by 3 submitters); PubMed 36806574 (cited by 3 submitters); PubMed 31114860 (cited by Color Diagnostics, LLC DBA Color Health and All of Us Research Program, National Institutes of Health); PubMed 22581653 (cited by Cardiovascular Biomedical Research Unit, Royal Brompton & Harefield NHS Foundation Trust).